The following is an entry in ClinVar:

NM_000179.3(MSH6):c.157G>C (p.Ala53Pro)

Gene: MSH6 (mutS homolog 6; plus strand). Cytogenetic location: 2p16.3.
Variant type: single nucleotide variant.
Coding change: c.157G>C on transcript NM_000179.3 (MANE Select); coding-DNA position 157, G replaced by C.
Protein change: p.Ala53Pro; replaces alanine 53 with proline.
Molecular consequence: missense variant. On other transcripts: 5 prime UTR variant (1).
Genome position (GRCh38, 1-based): chr2:47,783,390, G>C. VCF-style: chr2-47783390-G-C. GRCh37 (hg19) VCF-style: chr2-48010529-G-C.
Other names: c.157G>C, p.Ala53Pro (NM_001281492.2); c.-580G>C (NM_001281493.2); short protein forms A53P.
Identifiers: ClinVar variation 1488497 (VCV001488497.8), dbSNP rs2103939250, ClinGen allele CA346734956.
Genomic context (GRCh38, chr2:47,783,390, plus strand): 5'-CGTGCCGCCGCTGCCCCCGGGGCCTCTCCTTCCCCAGGCGGGGATGCGGCCTGGAGCGAG[G>C]CTGGGCCTGGGCCCAGGCCCTTGGCGCGCTCCGCGTCACCGCCCAAGGCGAAGAACCTCA-3'
Protein context (NP_000170.1, residues 43-63): SPGGDAAWSE[Ala53Pro]GPGPRPLARS

ClinVar aggregate classification (germline): Uncertain significance (1 of 4 stars; one submission).

Conditions:
Hereditary nonpolyposis colorectal neoplasms. Identifiers: MedGen C0009405, MeSH D003123.

Submission:

Labcorp Genetics (formerly Invitae), Labcorp
Classification: Uncertain significance for Hereditary nonpolyposis colorectal neoplasms. Last evaluated: 2020-11-11. Review status: criteria provided, single submitter. Criteria: Invitae Variant Classification Sherloc (09022015). Collection method: clinical testing. Allele origin: germline.
Comment: This sequence change replaces alanine with proline at codon 53 of the MSH6 protein (p.Ala53Pro). The alanine residue is weakly conserved and there is a small physicochemical difference between alanine and proline. This variant is not present in population databases (ExAC no frequency). This variant has not been reported in the literature in individuals with MSH6-related conditions. Advanced modeling of protein sequence and biophysical properties (such as structural, functional, and spatial information, amino acid conservation, physicochemical variation, residue mobility, and thermodynamic stability) performed at Invitae indicates that this missense variant is not expected to disrupt MSH6 protein function. In summary, the available evidence is currently insufficient to determine the role of this variant in disease. Therefore, it has been classified as a Variant of Uncertain Significance.